The following is an entry in ClinVar:

ClinVar aggregate classification (germline): Uncertain significance (1 of 4 stars; one submission).

Allele frequency attached by ClinVar (database versions not stated): ExAC 0.00001; gnomAD 0.00001; gnomAD exomes 0.00001; TOPMed 0.00001.
gnomAD v4.1: 18 of 1,592,114 alleles (0.0011%); highest among the groups gnomAD compares: Non-Finnish European, 0.0015%; no homozygotes.

Submission:

Ambry Genetics
Classification: Uncertain significance. Last evaluated: 2025-03-23. Review status: criteria provided, single submitter. Criteria: Ambry Variant Classification Scheme 2023. Collection method: clinical testing. Allele origin: germline.
Comment: The p.M478I variant (also known as c.1434G>A), located in coding exon 14 of the RASA2 gene, results from a G to A substitution at nucleotide position 1434. The methionine at codon 478 is replaced by isoleucine, an amino acid with highly similar properties. This amino acid position is conserved. In addition, this alteration is predicted to be tolerated by in silico analysis. Since supporting evidence is limited at this time, the clinical significance of this alteration remains unclear.

NM_006506.5(RASA2):c.1434G>A (p.Met478Ile)

Gene: RASA2 (RAS p21 protein activator 2; plus strand). Cytogenetic location: 3q23.
Variant type: single nucleotide variant.
Coding change: c.1434G>A on transcript NM_006506.5 (MANE Select); coding-DNA position 1434, G replaced by A.
Protein change: p.Met478Ile; replaces methionine 478 with isoleucine.
Molecular consequence: missense variant.
Genome position (GRCh38, 1-based): chr3:141,574,018, G>A. VCF-style: chr3-141574018-G-A. GRCh37 (hg19) VCF-style: chr3-141292860-G-A.
Other names: c.1434G>A, p.Met478Ile (NM_001303245.3, NM_001303246.3); short protein forms M478I.
Identifiers: ClinVar variation 2447626 (VCV002447626.3), dbSNP rs747532940, ClinGen allele CA2645506.